The following is an entry in ClinVar:

NM_000238.4(KCNH2):c.67G>A (p.Glu23Lys)

Gene: KCNH2 (potassium voltage-gated channel subfamily H member 2; minus strand). Cytogenetic location: 7q36.1.
Variant type: single nucleotide variant.
Coding change: c.67G>A on transcript NM_000238.4 (MANE Select); coding-DNA position 67, G replaced by A.
Protein change: p.Glu23Lys; replaces glutamic acid 23 with lysine.
Molecular consequence: missense variant. On other transcripts: non-coding transcript variant (1).
Genome position (GRCh38, 1-based): chr7:150,977,847, C>T on the plus strand (G>A on the coding strand, the complement: KCNH2 is on the minus strand). VCF-style: chr7-150977847-C-T. GRCh37 (hg19) VCF-style: chr7-150674935-C-T.
Other names: c.67G>A, p.Glu23Lys (NM_172056.3); short protein forms E23K.
Identifiers: ClinVar variation 3895040 (VCV003895040.1).

ClinVar aggregate classification (germline): Likely pathogenic (1 of 4 stars; one submission).

Conditions:
Cardiovascular phenotype. Identifiers: MedGen CN230736.

Submission:

Molecular Diagnostic Laboratory for Inherited Cardiovascular Disease, Montreal Heart Institute
Classification: Likely pathogenic for Cardiovascular phenotype. Last evaluated: 2025-02-18. Review status: criteria provided, single submitter. Criteria: ACMG Guidelines, 2015. Collection method: clinical testing. Allele origin: germline. Affected: yes.
Comment: PM1_strong, PM2, PP2, PP3